The following is an entry in ClinVar:

NM_006017.3(PROM1):c.1863T>G (p.Phe621Leu)

Gene: PROM1 (prominin 1; minus strand). Cytogenetic location: 4p15.32.
Variant type: single nucleotide variant.
Coding change: c.1863T>G on transcript NM_006017.3 (MANE Select); coding-DNA position 1863, T replaced by G.
Protein change: p.Phe621Leu; replaces phenylalanine 621 with leucine.
Molecular consequence: missense variant.
Genome position (GRCh38, 1-based): chr4:15,992,296, A>C on the plus strand (T>G on the coding strand, the complement: PROM1 is on the minus strand). VCF-style: chr4-15992296-A-C. GRCh37 (hg19) VCF-style: chr4-15993919-A-C.
Other names: c.1836T>G, p.Phe612Leu (NM_001145847.2, NM_001145848.2, NM_001145851.2 and 4 more transcripts); c.1863T>G, p.Phe621Leu (NM_001145849.2, NM_001145850.2); short protein forms F612L, F621L.
Identifiers: ClinVar variation 1490526 (VCV001490526.6), dbSNP rs1721260963, ClinGen allele CA356430858.

ClinVar aggregate classification (germline): Uncertain significance (1 of 4 stars; one submission).

Allele frequency attached by ClinVar (database versions not stated): gnomAD exomes below 0.00001; TOPMed below 0.00001.
gnomAD v4.1: 1 of 1,613,956 alleles (0.000062%); highest among the groups gnomAD compares: Non-Finnish European, 0.000085%; no homozygotes.

Submission:

Labcorp Genetics (formerly Invitae), Labcorp
Classification: Uncertain significance. Last evaluated: 2022-02-24. Review status: criteria provided, single submitter. Criteria: Invitae Variant Classification Sherloc (09022015). Collection method: clinical testing. Allele origin: germline.
Comment: In summary, the available evidence is currently insufficient to determine the role of this variant in disease. Therefore, it has been classified as a Variant of Uncertain Significance. Algorithms developed to predict the effect of missense changes on protein structure and function output the following: SIFT: "Tolerated"; PolyPhen-2: "Possibly Damaging"; Align-GVGD: "Class C0". The leucine amino acid residue is found in multiple mammalian species, which suggests that this missense change does not adversely affect protein function. This variant has not been reported in the literature in individuals affected with PROM1-related conditions. This variant is not present in population databases (gnomAD no frequency). This sequence change replaces phenylalanine, which is neutral and non-polar, with leucine, which is neutral and non-polar, at codon 621 of the PROM1 protein (p.Phe621Leu).